The following is an entry in ClinVar:

ClinVar aggregate classification (germline): Uncertain significance (1 of 4 stars; one submission).

Conditions:
Imerslund-Grasbeck syndrome. Also called: Megaloblastic anemia due to inborn errors of metabolism; ENTEROCYTE COBALAMIN MALABSORPTION; ENTEROCYTE INTRINSIC FACTOR RECEPTOR, DEFECT OF; PERNICIOUS ANEMIA, JUVENILE, DUE TO SELECTIVE INTESTINAL MALABSORPTION OF VITAMIN B12, WITH PROTEINURIA; Imerslund-Gräsbeck syndrome. Identifiers: Orphanet 35858, MedGen C4551825, MONDO:0009853.

Allele frequency attached by ClinVar (database versions not stated): TOPMed 0.00002.
gnomAD v4.1: 25 of 1,601,546 alleles (0.0016%); highest among the groups gnomAD compares: Non-Finnish European, 0.0019%; no homozygotes.

Submission:

Labcorp Genetics (formerly Invitae), Labcorp
Classification: Uncertain significance for Imerslund-Grasbeck syndrome. Last evaluated: 2024-02-24. Review status: criteria provided, single submitter. Criteria: Invitae Variant Classification Sherloc (09022015). Collection method: clinical testing. Allele origin: germline.
Comment: This sequence change replaces arginine, which is basic and polar, with cysteine, which is neutral and slightly polar, at codon 513 of the CUBN protein (p.Arg513Cys). This variant is present in population databases (rs747316861, gnomAD 0.004%). This variant has not been reported in the literature in individuals affected with CUBN-related conditions. ClinVar contains an entry for this variant (Variation ID: 2037877). Advanced modeling of protein sequence and biophysical properties (such as structural, functional, and spatial information, amino acid conservation, physicochemical variation, residue mobility, and thermodynamic stability) performed at Invitae indicates that this missense variant is expected to disrupt CUBN protein function with a positive predictive value of 80%. In summary, the available evidence is currently insufficient to determine the role of this variant in disease. Therefore, it has been classified as a Variant of Uncertain Significance.

NM_001081.4(CUBN):c.1537C>T (p.Arg513Cys)

Gene: CUBN (cubilin; minus strand). Cytogenetic location: 10p13.
Variant type: single nucleotide variant.
Coding change: c.1537C>T on transcript NM_001081.4 (MANE Select); coding-DNA position 1537, C replaced by T.
Protein change: p.Arg513Cys; replaces arginine 513 with cysteine.
Molecular consequence: missense variant.
Genome position (GRCh38, 1-based): chr10:17,100,233, G>A on the plus strand (C>T on the coding strand, the complement: CUBN is on the minus strand). VCF-style: chr10-17100233-G-A. GRCh37 (hg19) VCF-style: chr10-17142232-G-A.
Other names: short protein forms R513C.
Identifiers: ClinVar variation 2037877 (VCV002037877.4), dbSNP rs747316861, ClinGen allele CA5425244.